The following is an entry in ClinVar:

NM_024529.5(CDC73):c.1364A>G (p.Lys455Arg)

Gene: CDC73 (cell division cycle 73; plus strand). Cytogenetic location: 1q31.2.
Variant type: single nucleotide variant.
Coding change: c.1364A>G on transcript NM_024529.5 (MANE Select); coding-DNA position 1364, A replaced by G.
Protein change: p.Lys455Arg; replaces lysine 455 with arginine.
Molecular consequence: missense variant.
Genome position (GRCh38, 1-based): chr1:193,236,303, A>G. VCF-style: chr1-193236303-A-G. GRCh37 (hg19) VCF-style: chr1-193205433-A-G.
Other names: c.1364A>G (NM_024529.4); short protein forms K455R.
Identifiers: ClinVar variation 1046233 (VCV001046233.10), dbSNP rs1444457760, ClinGen allele CA344078196.
Genomic context (GRCh38, chr1:193,236,303, plus strand): 5'-TTTCTACTTGTAGGGACCGCGTTGTAGCCGTTTTTGTGCAGGGTCCTGCATGGCAGTTCA[A>G]AGGTTGGCCATGGCTTTTGCCTGATGGATCACCAGTTGATATATTTGCTAAAAGTAAGAT-3'
Protein context (NP_078805.3, residues 445-465): VFVQGPAWQF[Lys455Arg]GWPWLLPDGS

ClinVar aggregate classification (germline): Uncertain significance. Review status: criteria provided, multiple submitters, no conflicts (2 of 4 stars). 2 submissions from 2 submitters: Uncertain significance (2). Last evaluated 2025-10-09.

Conditions:
Hereditary cancer-predisposing syndrome. Also called: Hereditary Cancer Syndrome; Tumor predisposition; Hereditary neoplastic syndrome; Neoplastic Syndromes, Hereditary. Identifiers: Orphanet 140162, MedGen C0027672, MeSH D009386, MONDO:0015356.
Parathyroid carcinoma (PRTC). Also called: Parathyroid gland carcinoma; CDC73-Related Parathyroid Carcinoma. Identifiers: Orphanet 143, MedGen C0687150, MONDO:0012004, OMIM 608266, HP:0006780.

Allele frequency attached by ClinVar (database versions not stated): gnomAD exomes below 0.00001.
gnomAD v4.1: 2 of 1,614,112 alleles (0.00012%); highest among the groups gnomAD compares: Non-Finnish European, 0.00017%; no homozygotes.

Submissions (2):

Labcorp Genetics (formerly Invitae), Labcorp
Classification: Uncertain significance for Parathyroid carcinoma. Last evaluated: 2025-10-09. Review status: criteria provided, single submitter. Criteria: Invitae Variant Classification Sherloc (09022015). Collection method: clinical testing. Allele origin: germline.
Comment: This sequence change replaces lysine, which is basic and polar, with arginine, which is basic and polar, at codon 455 of the CDC73 protein (p.Lys455Arg). This variant is present in population databases (no rsID available, gnomAD 0.0009%). This variant has not been reported in the literature in individuals affected with CDC73-related conditions. ClinVar contains an entry for this variant (Variation ID: 1046233). Invitae Evidence Modeling of protein sequence and biophysical properties (such as structural, functional, and spatial information, amino acid conservation, physicochemical variation, residue mobility, and thermodynamic stability) indicates that this missense variant is expected to disrupt CDC73 protein function with a positive predictive value of 80%. In summary, the available evidence is currently insufficient to determine the role of this variant in disease. Therefore, it has been classified as a Variant of Uncertain Significance.

Ambry Genetics
Classification: Uncertain significance for Hereditary cancer-predisposing syndrome. Last evaluated: 2023-10-08. Review status: criteria provided, single submitter. Criteria: Ambry Variant Classification Scheme 2023. Collection method: clinical testing. Allele origin: germline.
Comment: The p.K455R variant (also known as c.1364A>G), located in coding exon 15 of the CDC73 gene, results from an A to G substitution at nucleotide position 1364. The lysine at codon 455 is replaced by arginine, an amino acid with highly similar properties. This amino acid position is conserved. In addition, the in silico prediction for this alteration is inconclusive. Since supporting evidence is limited at this time, the clinical significance of this alteration remains unclear.